The following is an entry in ClinVar:

NM_001103.4(ACTN2):c.2615C>A (p.Pro872Gln)

Gene: ACTN2 (actinin alpha 2; plus strand). Cytogenetic location: 1q43.
Variant type: single nucleotide variant.
Coding change: c.2615C>A on transcript NM_001103.4 (MANE Select); coding-DNA position 2615, C replaced by A.
Protein change: p.Pro872Gln; replaces proline 872 with glutamine.
Molecular consequence: missense variant.
Genome position (GRCh38, 1-based): chr1:236,762,549, C>A. VCF-style: chr1-236762549-C-A. GRCh37 (hg19) VCF-style: chr1-236925849-C-A.
Other names: c.2615C>A, p.Pro872Gln (NM_001278343.2); c.1991C>A, p.Pro664Gln (NM_001278344.2); c.1865C>A, p.Pro622Gln (NM_001412150.1); short protein forms P664Q, P622Q, P872Q.
Identifiers: ClinVar variation 1793846 (VCV001793846.4), dbSNP rs746991314, ClinGen allele CA1473504.
Genomic context (GRCh38, chr1:236,762,549, plus strand): 5'-GGGAGCTGCCCCCGGATCAGGCCCAGTACTGCATCAAGAGGATGCCCGCCTACTCGGGCC[C>A]AGGCAGTGTGCCTGGTGCACTGGATTACGCTGCGTTCTCTTCCGCACTCTACGGGGAGAG-3'
Protein context (NP_001094.1, residues 862-882): CIKRMPAYSG[Pro872Gln]GSVPGALDYA

ClinVar aggregate classification (germline): Uncertain significance. Review status: criteria provided, multiple submitters, no conflicts (2 of 4 stars). 2 submissions from 2 submitters: Uncertain significance (2). Last evaluated 2024-06-04.

Conditions:
Cardiovascular phenotype. Identifiers: MedGen CN230736.

Allele frequency attached by ClinVar (database versions not stated): ExAC 0.00001; gnomAD exomes 0.00001.
gnomAD v4.1: 9 of 1,614,180 alleles (0.00056%); highest among the groups gnomAD compares: South Asian, 0.0011%; no homozygotes.

Submissions (2):

Ambry Genetics
Classification: Uncertain significance for Cardiovascular phenotype. Last evaluated: 2024-06-04. Review status: criteria provided, single submitter. Criteria: Ambry Variant Classification Scheme 2023. Collection method: clinical testing. Allele origin: germline.
Comment: The p.P872Q variant (also known as c.2615C>A), located in coding exon 21 of the ACTN2 gene, results from a C to A substitution at nucleotide position 2615. The proline at codon 872 is replaced by glutamine, an amino acid with similar properties. This amino acid position is conserved. In addition, the in silico prediction for this alteration is inconclusive. Since supporting evidence is limited at this time, the clinical significance of this alteration remains unclear.

Blueprint Genetics
Classification: Uncertain significance. Last evaluated: 2020-08-26. Review status: criteria provided, single submitter. Criteria: ACMG Guidelines, 2015. Collection method: clinical testing. Allele origin: germline.